The following is an entry in ClinVar:

ClinVar aggregate classification (germline): Uncertain significance. Review status: criteria provided, multiple submitters, no conflicts (2 of 4 stars). 3 submissions from 3 submitters: Uncertain significance (3). Last evaluated 2024-11-04.

Conditions:
Familial thoracic aortic aneurysm and aortic dissection (TAAD). Also called: Thoracic aortic aneurysms and dissections. Identifiers: Orphanet 91387, MedGen C4707243, MONDO:0019625.
Hereditary cancer-predisposing syndrome. Also called: Hereditary Cancer Syndrome; Hereditary neoplastic syndrome; Tumor predisposition; Neoplastic Syndromes, Hereditary. Identifiers: Orphanet 140162, MedGen C0027672, MeSH D009386, MONDO:0015356.
Juvenile polyposis syndrome (JPS). Identifiers: Orphanet 2929, MedGen C0345893, MONDO:0017380, OMIM 174900.

Submissions (3):

Labcorp Genetics (formerly Invitae), Labcorp
Classification: Uncertain significance for Juvenile polyposis syndrome. Last evaluated: 2024-11-04. Review status: criteria provided, single submitter. Criteria: Invitae Variant Classification Sherloc (09022015). Collection method: clinical testing. Allele origin: germline.
Comment: This sequence change replaces isoleucine, which is neutral and non-polar, with valine, which is neutral and non-polar, at codon 429 of the SMAD4 protein (p.Ile429Val). This variant is not present in population databases (gnomAD no frequency). This variant has not been reported in the literature in individuals affected with SMAD4-related conditions. ClinVar contains an entry for this variant (Variation ID: 1363892). Invitae Evidence Modeling of protein sequence and biophysical properties (such as structural, functional, and spatial information, amino acid conservation, physicochemical variation, residue mobility, and thermodynamic stability) has been performed for this missense variant. However, the output from this modeling did not meet the statistical confidence thresholds required to predict the impact of this variant on SMAD4 protein function. In summary, the available evidence is currently insufficient to determine the role of this variant in disease. Therefore, it has been classified as a Variant of Uncertain Significance.

GeneDx
Classification: Uncertain significance. Last evaluated: 2024-06-07. Review status: criteria provided, single submitter. Criteria: GeneDx Variant Classification Process June 2021. Collection method: clinical testing. Allele origin: germline. Affected: yes.
Comment: Not observed at significant frequency in large population cohorts (gnomAD); In silico analysis indicates that this missense variant does not alter protein structure/function; Has not been previously published as pathogenic or benign to our knowledge; This variant is associated with the following publications: (PMID: 17873119, 18823382, 15235019)

Ambry Genetics
Classification: Uncertain significance for Hereditary cancer-predisposing syndrome; Familial thoracic aortic aneurysm and aortic dissection. Last evaluated: 2023-08-22. Review status: criteria provided, single submitter. Criteria: Ambry Variant Classification Scheme 2023. Collection method: clinical testing. Allele origin: germline.
Comment: The p.I429V variant (also known as c.1285A>G), located in coding exon 9 of the SMAD4 gene, results from an A to G substitution at nucleotide position 1285. The isoleucine at codon 429 is replaced by valine, an amino acid with highly similar properties. This amino acid position is highly conserved in available vertebrate species. In addition, the in silico prediction for this alteration is inconclusive. Since supporting evidence is limited at this time, the clinical significance of this alteration remains unclear.

NM_005359.6(SMAD4):c.1285A>G (p.Ile429Val)

Gene: SMAD4 (SMAD family member 4; plus strand). Cytogenetic location: 18q21.2.
Variant type: single nucleotide variant.
Coding change: c.1285A>G on transcript NM_005359.6 (MANE Select); coding-DNA position 1285, A replaced by G.
Protein change: p.Ile429Val; replaces isoleucine 429 with valine.
Molecular consequence: missense variant.
Genome position (GRCh38, 1-based): chr18:51,067,164, A>G. VCF-style: chr18-51067164-A-G. GRCh37 (hg19) VCF-style: chr18-48593534-A-G.
Other names: c.1285A>G (NM_005359.5); short protein forms I429V.
Identifiers: ClinVar variation 1363892 (VCV001363892.10), dbSNP rs2144452793, ClinGen allele CA402465033.
Genomic context (GRCh38, chr18:51,067,164, plus strand): 5'-GTACAGAGTTACTACTTAGACAGAGAAGCTGGGCGTGCACCTGGAGATGCTGTTCATAAG[A>G]TCTACCCAAGTGCATATATAAAGGTTAGTTACAATTTTATTTGAATATTTTAGACTTAAA-3'
Protein context (NP_005350.1, residues 419-439): GRAPGDAVHK[Ile429Val]YPSAYIKVFD